The following is an entry in ClinVar:

NM_016239.4(MYO15A):c.9948+11G>A

Gene: MYO15A (myosin XVA; plus strand). Cytogenetic location: 17p11.2.
Variant type: single nucleotide variant.
Coding change: c.9948+11G>A on transcript NM_016239.4 (MANE Select); 11 bases into the intron after coding-DNA position 9948, G replaced by A.
Molecular consequence: intron variant.
Genome position (GRCh38, 1-based): chr17:18,166,532, G>A. VCF-style: chr17-18166532-G-A. GRCh37 (hg19) VCF-style: chr17-18069846-G-A.
Identifiers: ClinVar variation 178450 (VCV000178450.8), dbSNP rs200712715, ClinGen allele CA182356.

ClinVar aggregate classification (germline): Likely benign. Review status: criteria provided, multiple submitters, no conflicts (2 of 4 stars). 3 submissions from 3 submitters: Likely benign (3). Last evaluated 2025-04-20.

Allele frequency attached by ClinVar (database versions not stated): TOPMed 0.00013; ESP Exome Variant Server 0.00032.
gnomAD v4.1: 164 of 1,611,444 alleles (0.01%); highest among the groups gnomAD compares: Middle Eastern, 0.049%; no homozygotes.

Submissions (3):

Labcorp Genetics (formerly Invitae), Labcorp
Classification: Likely benign. Last evaluated: 2025-04-20. Review status: criteria provided, single submitter. Criteria: Invitae Variant Classification Sherloc (09022015). Collection method: clinical testing. Allele origin: germline.

Blueprint Genetics
Classification: Likely benign. Last evaluated: 2024-07-30. Review status: criteria provided, single submitter. Criteria: ACMG Guidelines, 2015. Collection method: clinical testing. Allele origin: germline.

Laboratory for Molecular Medicine, Mass General Brigham Personalized Medicine
Classification: Likely benign. Last evaluated: 2012-04-30. Review status: criteria provided, single submitter. Criteria: LMM Criteria. Collection method: clinical testing. Allele origin: germline. Observed: 2 variant alleles.
Comment: 9948+11G>A in Intron 61 of MYO15A: This variant is not expected to have clinical significance because it is not located within the conserved splice consensus se quence and has been identified in 2/6812 European American chromosomes from a br oad population by the NHLBI Exome Sequencing Project (du/EVS).